The following is an entry in ClinVar:

ClinVar aggregate classification (germline): Benign/Likely benign. Review status: criteria provided, multiple submitters, no conflicts (2 of 4 stars). 3 submissions from 3 submitters: Benign (1); Likely benign (1). 1 of the submissions does not count toward it. Last evaluated 2026-01-29.

Conditions:
MPDZ-related disorder. Also called: MPDZ-related condition.

Allele frequency attached by ClinVar (database versions not stated): 1000 Genomes Project 30x 0.00016; 1000 Genomes Project 0.00020; ESP Exome Variant Server 0.00050; gnomAD 0.00071 and 0.00076; TOPMed 0.00074.
gnomAD v4.1: 1,947 of 1,613,966 alleles (0.12%); highest among the groups gnomAD compares: Non-Finnish European, 0.16%; 3 homozygotes.

Submissions (3):

Labcorp Genetics (formerly Invitae), Labcorp
Classification: Benign. Last evaluated: 2026-01-29. Review status: criteria provided, single submitter. Criteria: Invitae Variant Classification Sherloc (09022015). Collection method: clinical testing. Allele origin: germline.

Blueprint Genetics
Classification: Likely benign. Last evaluated: 2024-11-20. Review status: criteria provided, single submitter. Criteria: ACMG Guidelines, 2015. Collection method: clinical testing. Allele origin: germline.

PreventionGenetics, part of Exact Sciences
Classification: Likely benign for MPDZ-related condition. Last evaluated: 2019-10-29. Review status: no assertion criteria provided. Collection method: clinical testing. Allele origin: germline. Not counted in ClinVar's aggregate classification.
Comment: This variant is classified as likely benign based on ACMG/AMP sequence variant interpretation guidelines (Richards et al. 2015 PMID: 25741868, with internal and published modifications).

NM_001378778.1(MPDZ):c.4497A>G (p.Glu1499=)

Gene: MPDZ (multiple PDZ domain crumbs cell polarity complex component; minus strand). Cytogenetic location: 9p23.
Variant type: single nucleotide variant.
Coding change: c.4497A>G on transcript NM_001378778.1 (MANE Select); coding-DNA position 4497, A replaced by G.
Protein change: p.Glu1499=; no amino-acid change (glutamic acid 1499 retained).
Molecular consequence: synonymous variant.
Genome position (GRCh38, 1-based): chr9:13,126,740, T>C on the plus strand (A>G on the coding strand, the complement: MPDZ is on the minus strand). VCF-style: chr9-13126740-T-C. GRCh37 (hg19) VCF-style: chr9-13126739-T-C.
Other names: c.4398A>G, p.Glu1466= (NM_001261406.2, NM_001261407.2, NM_001375416.1 and 3 more transcripts); c.4497A>G, p.Glu1499= (NM_001330637.2, NM_003829.5); c.4596A>G, p.Glu1532= (NM_001375413.1); c.4287A>G, p.Glu1429= (NM_001375420.1, NM_001375421.1, NM_001375422.1 and 4 more transcripts); c.4089A>G, p.Glu1363= (NM_001375427.1).
Identifiers: ClinVar variation 735050 (VCV000735050.14), dbSNP rs199737503, ClinGen allele CA4986673.